The following is an entry in ClinVar:

ClinVar aggregate classification (germline): Uncertain significance (1 of 4 stars; one submission).

Conditions:
Developmental and epileptic encephalopathy, 36 (DEE36). Also called: Congenital disorder of glycosylation, type Is; Epileptic encephalopathy, early infantile, 36; ALG13-CDG. Identifiers: Orphanet 324422, MedGen C4317295, MONDO:0010472, OMIM 300884.

Allele frequency attached by ClinVar (database versions not stated): TOPMed 0.00001.

Submission:

Labcorp Genetics (formerly Invitae), Labcorp
Classification: Uncertain significance for Developmental and epileptic encephalopathy, 36. Last evaluated: 2025-08-30. Review status: criteria provided, single submitter. Criteria: Invitae Variant Classification Sherloc (09022015). Collection method: clinical testing. Allele origin: germline.
Comment: This sequence change affects codon 28 of the ALG13 mRNA. It is a 'silent' change, meaning that it does not change the encoded amino acid sequence of the ALG13 protein. This variant is not present in population databases (gnomAD no frequency). This variant has not been reported in the literature in individuals affected with ALG13-related conditions. ClinVar contains an entry for this variant (Variation ID: 2155425). Algorithms developed to predict the effect of sequence changes on RNA splicing suggest that this variant may create or strengthen a splice site. In summary, the available evidence is currently insufficient to determine the role of this variant in disease. Therefore, it has been classified as a Variant of Uncertain Significance.

NM_001099922.3(ALG13):c.84A>G (p.Lys28=)

Gene: ALG13 (ALG13 UDP-N-acetylglucosaminyltransferase subunit; plus strand). Cytogenetic location: Xq23.
Variant type: single nucleotide variant.
Coding change: c.84A>G on transcript NM_001099922.3 (MANE Select); coding-DNA position 84, A replaced by G.
Protein change: p.Lys28=; no amino-acid change (lysine 28 retained).
Molecular consequence: synonymous variant. On other transcripts: 5 prime UTR variant (6), non-coding transcript variant (1), intron variant (5).
Genome position (GRCh38, 1-based): chrX:111,682,134, A>G. VCF-style: chrX-111682134-A-G. GRCh37 (hg19) VCF-style: chrX-110925362-A-G.
Other names: c.84A>G, p.Lys28= (NM_001039210.5, NM_001168385.3, NM_001324290.2 and 2 more transcripts); c.-92A>G (NM_001257231.2, NM_001257241.3); c.-229A>G (NM_001257237.2, NM_001257239.3, NM_001257240.3 and 1 more transcripts); c.-127-102A>G (NM_001257234.2, NM_001257230.2, NM_001257235.3 and 2 more transcripts).
Identifiers: ClinVar variation 2155425 (VCV002155425.4), dbSNP rs1933581297, ClinGen allele CA518052681.
Genomic context (GRCh38, chrX:111,682,134, plus strand): 5'-CTGCTCTGTTTTACATAGCCAGTTTAAAAGGCCCTCACATTCTGATTTCCTCTTTCAGAA[A>G]ATCGAGAGCCTTGGTTACAACCGACTTATCCTGCAAATTGGTAGAGGAACGGTGGTACCT-3'
Protein context (NP_001093392.1, residues 18-38): ACVSAPDSLQ[Lys28=]IESLGYNRLI